The following is an entry in ClinVar:

NM_006302.3(MOGS):c.35C>T (p.Pro12Leu)

Gene: MOGS (mannosyl-oligosaccharide glucosidase; minus strand). Cytogenetic location: 2p13.1.
Variant type: single nucleotide variant.
Coding change: c.35C>T on transcript NM_006302.3 (MANE Select); coding-DNA position 35, C replaced by T.
Protein change: p.Pro12Leu; replaces proline 12 with leucine.
Molecular consequence: missense variant. On other transcripts: intron variant (1).
Genome position (GRCh38, 1-based): chr2:74,465,213, G>A on the plus strand (C>T on the coding strand, the complement: MOGS is on the minus strand). VCF-style: chr2-74465213-G-A. GRCh37 (hg19) VCF-style: chr2-74692340-G-A.
Other names: c.-59+101C>T (NM_001146158.2); short protein forms P12L.
Identifiers: ClinVar variation 2109428 (VCV002109428.3), dbSNP rs566542202, ClinGen allele CA347383810.

ClinVar aggregate classification (germline): Uncertain significance (1 of 4 stars; one submission).

Conditions:
MOGS-congenital disorder of glycosylation. Also called: MOGS-CDG; CDG IIb; GLUCOSIDASE I DEFICIENCY; CDG 2B. Identifiers: Orphanet 79330, MedGen C1853736, MONDO:0011629, OMIM 606056.

Submission:

Labcorp Genetics (formerly Invitae), Labcorp
Classification: Uncertain significance for MOGS-congenital disorder of glycosylation. Last evaluated: 2022-03-11. Review status: criteria provided, single submitter. Criteria: Invitae Variant Classification Sherloc (09022015). Collection method: clinical testing. Allele origin: germline.
Comment: This sequence change replaces proline, which is neutral and non-polar, with leucine, which is neutral and non-polar, at codon 12 of the MOGS protein (p.Pro12Leu). This variant is not present in population databases (gnomAD no frequency). This variant has not been reported in the literature in individuals affected with MOGS-related conditions. Algorithms developed to predict the effect of missense changes on protein structure and function output the following: SIFT: "Deleterious"; PolyPhen-2: "Probably Damaging"; Align-GVGD: "Class C0". The leucine amino acid residue is found in multiple mammalian species, which suggests that this missense change does not adversely affect protein function. In summary, the available evidence is currently insufficient to determine the role of this variant in disease. Therefore, it has been classified as a Variant of Uncertain Significance.